The following is an entry in ClinVar:

ClinVar aggregate classification (germline): Uncertain significance (1 of 4 stars; one submission).

Allele frequency attached by ClinVar (database versions not stated): gnomAD exomes below 0.00001; ExAC 0.00001; gnomAD 0.00001; TOPMed 0.00002; 1000 Genomes Project 30x 0.00016; 1000 Genomes Project 0.00020.
gnomAD v4.1: 3 of 1,613,758 alleles (0.00019%); highest among the groups gnomAD compares: African/African-American, 0.0027%; no homozygotes.

Submission:

Labcorp Genetics (formerly Invitae), Labcorp
Classification: Uncertain significance. Last evaluated: 2022-05-09. Review status: criteria provided, single submitter. Criteria: Invitae Variant Classification Sherloc (09022015). Collection method: clinical testing. Allele origin: germline.
Comment: This sequence change replaces isoleucine, which is neutral and non-polar, with methionine, which is neutral and non-polar, at codon 3847 of the PCLO protein (p.Ile3847Met). This variant is present in population databases (rs199653139, gnomAD 0.007%). This variant has not been reported in the literature in individuals affected with PCLO-related conditions. Algorithms developed to predict the effect of missense changes on protein structure and function output the following: SIFT: "Tolerated"; PolyPhen-2: "Not Available"; Align-GVGD: "Class C0". The methionine amino acid residue is found in multiple mammalian species, which suggests that this missense change does not adversely affect protein function. In summary, the available evidence is currently insufficient to determine the role of this variant in disease. Therefore, it has been classified as a Variant of Uncertain Significance.

NM_033026.6(PCLO):c.11541A>G (p.Ile3847Met)

Gene: PCLO (piccolo presynaptic cytomatrix protein; minus strand). Cytogenetic location: 7q21.11.
Variant type: single nucleotide variant.
Coding change: c.11541A>G on transcript NM_033026.6 (MANE Select); coding-DNA position 11541, A replaced by G.
Protein change: p.Ile3847Met; replaces isoleucine 3847 with methionine.
Molecular consequence: missense variant.
Genome position (GRCh38, 1-based): chr7:82,916,445, T>C on the plus strand (A>G on the coding strand, the complement: PCLO is on the minus strand). VCF-style: chr7-82916445-T-C. GRCh37 (hg19) VCF-style: chr7-82545761-T-C.
Other names: c.11541A>G, p.Ile3847Met (NM_014510.3); short protein forms I3847M.
Identifiers: ClinVar variation 1903457 (VCV001903457.2), dbSNP rs199653139, ClinGen allele CA4319546.
Genomic context (GRCh38, chr7:82,916,445, plus strand): 5'-AAACTGGCTGAATTCAGTTTGGGGAGCAGTTCTTGGTCGCTCAATGCCATGCTGACTTTC[T>C]ATTCGGGTTGGTCTTGTGCTACTCACTTCACTGTCAGACATGTAATCACGATCCTCAGCT-3'
Protein context (NP_149015.2, residues 3837-3857): SEVSSTRPTR[Ile3847Met]ESQHGIERPR